The following is an entry in ClinVar:

NM_000355.4(TCN2):c.572A>G (p.His191Arg)

Gene: TCN2 (transcobalamin 2; plus strand). Cytogenetic location: 22q12.2.
Variant type: single nucleotide variant.
Coding change: c.572A>G on transcript NM_000355.4 (MANE Select); coding-DNA position 572, A replaced by G.
Protein change: p.His191Arg; replaces histidine 191 with arginine.
Molecular consequence: missense variant.
Genome position (GRCh38, 1-based): chr22:30,614,493, A>G. VCF-style: chr22-30614493-A-G. GRCh37 (hg19) VCF-style: chr22-31010480-A-G.
Other names: c.491A>G, p.His164Arg (NM_001184726.2); short protein forms H164R, H191R.
Identifiers: ClinVar variation 661881 (VCV000661881.7), dbSNP rs151172486, ClinGen allele CA10184706.

ClinVar aggregate classification (germline): Uncertain significance (1 of 4 stars; one submission).

Conditions:
Transcobalamin II deficiency (TCN2D). Also called: TC II DEFICIENCY; TCN2 DEFICIENCY; Transcolabamin II deficiency. Identifiers: Orphanet 859, MedGen C0342701, MONDO:0010149, OMIM 275350.

Allele frequency attached by ClinVar (database versions not stated): gnomAD exomes 0.00004; ExAC 0.00007; 1000 Genomes Project 30x 0.00016; gnomAD 0.00017 and 0.00018; TOPMed 0.00018; ESP Exome Variant Server 0.00031.

Submission:

Labcorp Genetics (formerly Invitae), Labcorp
Classification: Uncertain significance for Transcobalamin II deficiency. Last evaluated: 2025-10-06. Review status: criteria provided, single submitter. Criteria: Invitae Variant Classification Sherloc (09022015). Collection method: clinical testing. Allele origin: germline.
Comment: This sequence change replaces histidine, which is basic and polar, with arginine, which is basic and polar, at codon 191 of the TCN2 protein (p.His191Arg). This variant is present in population databases (rs151172486, gnomAD 0.05%). This variant has not been reported in the literature in individuals affected with TCN2-related conditions. ClinVar contains an entry for this variant (Variation ID: 661881). Invitae Evidence Modeling of protein sequence and biophysical properties (such as structural, functional, and spatial information, amino acid conservation, physicochemical variation, residue mobility, and thermodynamic stability) indicates that this missense variant is not expected to disrupt TCN2 protein function with a negative predictive value of 80%. In summary, the available evidence is currently insufficient to determine the role of this variant in disease. Therefore, it has been classified as a Variant of Uncertain Significance.